The following is an entry in ClinVar:

ClinVar aggregate classification (germline): Uncertain significance. Review status: criteria provided, multiple submitters, no conflicts (2 of 4 stars). 4 submissions from 4 submitters: Uncertain significance (3). 1 of the submissions does not count toward it. Last evaluated 2025-04-10.

Conditions:
Inborn genetic diseases. Identifiers: MedGen C0950123, MeSH D030342.
CPE-related disorder. Also called: CPE-related condition.

Allele frequency attached by ClinVar (database versions not stated): ExAC 0.00008; ESP Exome Variant Server 0.00008; 1000 Genomes Project 30x 0.00016; gnomAD 0.00018; TOPMed 0.00018; 1000 Genomes Project 0.00020.
gnomAD v4.1: 157 of 1,614,116 alleles (0.0097%); highest among the groups gnomAD compares: African/African-American, 0.049%; no homozygotes.

Submissions (4):

Ambry Genetics
Classification: Uncertain significance for Inborn genetic diseases. Last evaluated: 2025-04-10. Review status: criteria provided, single submitter. Criteria: Ambry Variant Classification Scheme 2023. Collection method: clinical testing. Allele origin: germline.

Labcorp Genetics (formerly Invitae), Labcorp
Classification: Uncertain significance. Last evaluated: 2024-12-02. Review status: criteria provided, single submitter. Criteria: Invitae Variant Classification Sherloc (09022015). Collection method: clinical testing. Allele origin: germline.
Comment: This sequence change replaces arginine, which is basic and polar, with tryptophan, which is neutral and slightly polar, at codon 297 of the CPE protein (p.Arg297Trp). This variant is present in population databases (rs202048102, gnomAD 0.05%). This variant has not been reported in the literature in individuals affected with CPE-related conditions. ClinVar contains an entry for this variant (Variation ID: 2456912). An algorithm developed to predict the effect of missense changes on protein structure and function (PolyPhen-2) suggests that this variant is likely to be disruptive. In summary, the available evidence is currently insufficient to determine the role of this variant in disease. Therefore, it has been classified as a Variant of Uncertain Significance.

Blueprint Genetics
Classification: Uncertain significance. Last evaluated: 2024-08-12. Review status: criteria provided, single submitter. Criteria: ACMG Guidelines, 2015. Collection method: clinical testing. Allele origin: germline.

PreventionGenetics, part of Exact Sciences
Classification: Uncertain significance for CPE-related condition. Last evaluated: 2024-05-31. Review status: no assertion criteria provided. Collection method: clinical testing. Allele origin: germline. Not counted in ClinVar's aggregate classification.
Comment: The CPE c.889C>T variant is predicted to result in the amino acid substitution p.Arg297Trp. To our knowledge, this variant has not been reported in the literature. This variant is reported in 0.040% of alleles in individuals of African descent in gnomAD. At this time, the clinical significance of this variant is uncertain due to the absence of conclusive functional and genetic evidence.

NM_001873.4(CPE):c.889C>T (p.Arg297Trp)

Gene: CPE (carboxypeptidase E; plus strand). Cytogenetic location: 4q32.3.
Variant type: single nucleotide variant.
Coding change: c.889C>T on transcript NM_001873.4 (MANE Select); coding-DNA position 889, C replaced by T.
Protein change: p.Arg297Trp; replaces arginine 297 with tryptophan.
Molecular consequence: missense variant.
Genome position (GRCh38, 1-based): chr4:165,484,520, C>T. VCF-style: chr4-165484520-C-T. GRCh37 (hg19) VCF-style: chr4-166405672-C-T.
Other names: c.889C>T (NM_001873.3); short protein forms R297W.
Identifiers: ClinVar variation 2456912 (VCV002456912.8), dbSNP rs202048102, ClinGen allele CA3130311.
Genomic context (GRCh38, chr4:165,484,520, plus strand): 5'-ATTTTCCAAAGCTTGGCCCGGGCATACTCTTCTTTCAACCCGGCCATGTCTGACCCCAAT[C>T]GGCCACCATGTCGCAAGAATGATGATGACAGCAGCTTTGTAGATGGAACCACCAACGGTG-3'
Protein context (NP_001864.1, residues 287-307): SFNPAMSDPN[Arg297Trp]PPCRKNDDDS